The following is an entry in ClinVar:

NM_000051.4(ATM):c.2639-8A>G

Gene: ATM (ATM serine/threonine kinase; plus strand). Cytogenetic location: 11q22.3.
Variant type: single nucleotide variant.
Coding change: c.2639-8A>G on transcript NM_000051.4 (MANE Select); 8 bases into the intron before coding-DNA position 2639, A replaced by G.
Molecular consequence: intron variant.
Genome position (GRCh38, 1-based): chr11:108,268,402, A>G. VCF-style: chr11-108268402-A-G. GRCh37 (hg19) VCF-style: chr11-108139129-A-G.
Other names: c.2639-8A>G (NM_001351834.2).
Identifiers: ClinVar variation 1606152 (VCV001606152.9), dbSNP rs779419160, ClinGen allele CA2573146434.

ClinVar aggregate classification (germline): Likely benign. Review status: criteria provided, multiple submitters, no conflicts (2 of 4 stars). 2 submissions from 2 submitters: Likely benign (2). Last evaluated 2024-05-23.

Conditions:
Ataxia-telangiectasia syndrome (AT). Also called: ATAXIA-TELANGIECTASIA, FRESNO VARIANT; AT, COMPLEMENTATION GROUP C; LOUIS-BAR SYNDROME; Ataxia telangiectasia (A-T); Cerebello-oculocutaneous telangiectasia; Immunodeficiency with ataxia telangiectasia. Identifiers: Orphanet 100, MedGen C0004135, MONDO:0008840, OMIM 208900.
Familial cancer of breast. Also called: hereditary breast carcinoma; Hereditary breast cancer; BREAST CANCER, FAMILIAL. Identifiers: Orphanet 227535, MedGen C0346153, MONDO:0016419, OMIM 114480. Disease mechanism: loss of function.

Submissions (2):

Labcorp Genetics (formerly Invitae), Labcorp
Classification: Likely benign for Ataxia-telangiectasia syndrome. Last evaluated: 2024-05-23. Review status: criteria provided, single submitter. Criteria: Invitae Variant Classification Sherloc (09022015). Collection method: clinical testing. Allele origin: germline.

Myriad Genetics, Inc.
Classification: Likely benign for Familial cancer of breast. Last evaluated: 2024-05-10. Review status: criteria provided, single submitter. Criteria: Myriad Autosomal Dominant, Autosomal Recessive and X-Linked Classification Criteria (2023). Collection method: clinical testing. Allele origin: unknown.
Comment: This variant is considered likely benign. This variant is intronic and is not expected to impact mRNA splicing.